The following is an entry in ClinVar:

NM_006576.4(AVIL):c.444C>T (p.Thr148=)

Gene: AVIL (advillin; minus strand). Cytogenetic location: 12q14.1.
Variant type: single nucleotide variant.
Coding change: c.444C>T on transcript NM_006576.4 (MANE Select); coding-DNA position 444, C replaced by T.
Protein change: p.Thr148=; no amino-acid change (threonine 148 retained).
Molecular consequence: synonymous variant.
Genome position (GRCh38, 1-based): chr12:57,811,022, G>A on the plus strand (C>T on the coding strand, the complement: AVIL is on the minus strand). VCF-style: chr12-57811022-G-A. GRCh37 (hg19) VCF-style: chr12-58204805-G-A.
Identifiers: ClinVar variation 3047028 (VCV003047028.3), dbSNP rs766577410, ClinGen allele CA6660184.

ClinVar aggregate classification (germline): Likely benign. Review status: criteria provided, single submitter (1 of 4 stars). 2 submissions from 2 submitters: Likely benign (1). 1 of the submissions does not count toward it. Last evaluated 2021-03-23.

Conditions:
AVIL-related disorder. Also called: AVIL-related condition.

Allele frequency attached by ClinVar (database versions not stated): ExAC 0.00009.
gnomAD v4.1: 360 of 1,614,054 alleles (0.022%); highest among the groups gnomAD compares: South Asian, 0.046%; no homozygotes.

Submissions (2):

Blueprint Genetics
Classification: Likely benign. Last evaluated: 2021-03-23. Review status: criteria provided, single submitter. Criteria: ACMG Guidelines, 2015. Collection method: clinical testing. Allele origin: germline.

PreventionGenetics, part of Exact Sciences
Classification: Likely benign for AVIL-related condition. Last evaluated: 2021-06-14. Review status: no assertion criteria provided. Collection method: clinical testing. Allele origin: germline. Not counted in ClinVar's aggregate classification.
Comment: This variant is classified as likely benign based on ACMG/AMP sequence variant interpretation guidelines (Richards et al. 2015 PMID: 25741868, with internal and published modifications).